The following is an entry in ClinVar:

NM_000257.4(MYH7):c.1118C>A (p.Ala373Glu)

Gene: MYH7 (myosin heavy chain 7; minus strand). Cytogenetic location: 14q11.2.
Variant type: single nucleotide variant.
Coding change: c.1118C>A on transcript NM_000257.4 (MANE Select); coding-DNA position 1118, C replaced by A.
Protein change: p.Ala373Glu; replaces alanine 373 with glutamic acid.
Molecular consequence: missense variant.
Genome position (GRCh38, 1-based): chr14:23,429,795, G>T on the plus strand (C>A on the coding strand, the complement: MYH7 is on the minus strand). VCF-style: chr14-23429795-G-T. GRCh37 (hg19) VCF-style: chr14-23899004-G-T.
Other names: c.1118C>A, p.Ala373Glu (NM_001407004.1); short protein forms A373E.
Identifiers: ClinVar variation 2762934 (VCV002762934.3), dbSNP rs730880924, ClinGen allele CA389051315.

ClinVar aggregate classification (germline): Uncertain significance (1 of 4 stars; one submission).

Conditions:
Hypertrophic cardiomyopathy. Also called: HYPERTROPHIC MYOCARDIOPATHY. Identifiers: Orphanet 217569, MedGen C0007194, MeSH D002312, MONDO:0005045, HP:0001639.

Submission:

Labcorp Genetics (formerly Invitae), Labcorp
Classification: Uncertain significance for Hypertrophic cardiomyopathy. Last evaluated: 2023-11-11. Review status: criteria provided, single submitter. Criteria: Invitae Variant Classification Sherloc (09022015). Collection method: clinical testing. Allele origin: germline.
Comment: This sequence change replaces alanine, which is neutral and non-polar, with glutamic acid, which is acidic and polar, at codon 373 of the MYH7 protein (p.Ala373Glu). This variant is not present in population databases (gnomAD no frequency). This variant has not been reported in the literature in individuals affected with MYH7-related conditions. Advanced modeling of protein sequence and biophysical properties (such as structural, functional, and spatial information, amino acid conservation, physicochemical variation, residue mobility, and thermodynamic stability) performed at Invitae indicates that this missense variant is expected to disrupt MYH7 protein function with a positive predictive value of 95%. In summary, the available evidence is currently insufficient to determine the role of this variant in disease. Therefore, it has been classified as a Variant of Uncertain Significance.